The following continues an entry in ClinVar:

NM_002485.5(NBN):c.511A>G (p.Ile171Val)

Gene: NBN. ClinVar aggregate classification (germline): Conflicting classifications of pathogenicity. Uncertain significance (16); Benign (4); Likely benign (8).

Submissions 11 to 32 of 33:

Ambry Genetics
Classification: Likely benign for Hereditary cancer-predisposing syndrome. Last evaluated: 2022-01-24. Review status: criteria provided, single submitter. Criteria: Ambry Variant Classification Scheme 2023. Collection method: clinical testing. Allele origin: germline.

Institute for Clinical Genetics, University Hospital TU Dresden, University Hospital TU Dresden
Classification: Uncertain significance. Last evaluated: 2021-11-03. Review status: criteria provided, single submitter. Criteria: ACMG Guidelines, 2015. Collection method: clinical testing. Allele origin: germline.

GeneDx
Classification: Likely benign. Last evaluated: 2021-06-03. Review status: criteria provided, single submitter. Criteria: GeneDx Variant Classification Process June 2021. Collection method: clinical testing. Allele origin: germline. Affected: yes.
Comment: This variant is associated with the following publications: (PMID: 21811815, 11325820, 30306255, 17695489, 28374160, 30651582, 31422574, 21698754, 19813148, 25862857, 23317186, 22373003, 16474176, 21436738, 19629396, 21472885, 19393249, 24396275, 25712764, 25619955, 15279809, 18056440, 15338273, 16810201, 26083025, 25980754, 19908051, 17899368, 19523210, 24093751, 18280732, 24113799, 24728327, 24830725, 22131123, 26722329, 27621404, 18049891, 28261280, 27616075, 28376765, 27153395, 28591191, 28076423, 28107384, 29335925, 31159747, 32019277, 30590007, 31278556, 31263571, 32566746)

Genome-Nilou Lab
Classification: Uncertain significance for Microcephaly, normal intelligence and immunodeficiency. Last evaluated: 2021-05-18. Review status: criteria provided, single submitter. Criteria: ACMG Guidelines, 2015. Collection method: clinical testing. Allele origin: germline. Affected: no.

Sema4
Classification: Likely benign for Hereditary cancer-predisposing syndrome. Last evaluated: 2021-04-20. Review status: criteria provided, single submitter. Criteria: Sema4 Curation Guidelines. Collection method: curation. Allele origin: germline.

Revvity Omics, Revvity
Classification: Uncertain significance. Last evaluated: 2021-02-09. Review status: criteria provided, single submitter. Criteria: ACMG Guidelines, 2015. Collection method: clinical testing. Allele origin: germline.

Cancer Genomics Group, Japanese Foundation For Cancer Research
Classification: Uncertain significance for Hereditary breast and ovarian cancer syndrome. Last evaluated: 2019-05-01. Review status: criteria provided, single submitter. Criteria: ACMG Guidelines, 2015. Collection method: research. Allele origin: germline. Affected: yes.

Women's Health and Genetics/Laboratory Corporation of America, LabCorp
Classification: Benign. Last evaluated: 2019-04-10. Review status: criteria provided, single submitter. Criteria: LabCorp Variant Classification Summary - May 2015. Collection method: clinical testing. Allele origin: germline.
Comment: Variant summary: NBN c.511A>G (p.Ile171Val) results in a conservative amino acid change located in the BRCT domain of the encoded protein sequence. Three of five in-silico tools predict a damaging effect of the variant on protein function. The variant allele was found at a frequency of 0.0016 in 287466 control chromosomes, predominantly at a frequency of 0.0026 within the Non-Finnish European subpopulation in the gnomAD database. The observed variant frequency within Non-Finnish European control individuals in the gnomAD database is approximately 21 fold of the estimated maximal expected allele frequency for a pathogenic variant in NBN causing Hereditary Breast and Ovarian Cancer phenotype (0.00013), strongly suggesting that the variant is a benign polymorphism found primarily in populations of Non-Finnish European origin. c.511A>G has been reported in the literature in individuals affected with Breast and Ovarian Cancer, various forms of leukemia and solid tumors (example Taylor_2003, Bogdanova_2008, Grajkowska_2009, Haiman_2013, Kaluzna_2015, Kim_2015, Ramus_2015). Several of these predate the emergence of large control datasets such as ExAC and gnomAD. Predominantly, these report(s) do not provide unequivocal conclusions about the association of the variant with Hereditary Breast and Ovarian Cancer. Furthermore, reports of association with other forms of leukemia and solid tumors have not been firmly established. Co-occurrences with other pathogenic variant(s) in multiple genes have been reported in the literature as well as in our own testing experience. Specifically, BRCA1 c.3700_3704delGTAAA, p.Val1234Glnfs (Domagala_2015); CHEK2 c.444+1G>A (Domagala_2015; BRCA2 c.6952C>T, p.Arg2318X (Internal testing); BRCA1, not specified; and PALB2, not specified (Koczkowska_2018). These co-occurrences provide additional supporting evidence for a benign role. Multiple publications provide conflicting experimental evidence evaluating an impact on protein function. Most report no difference in measures of radiation induced DNA damage (Dzikiewicz-Krawczyk_2012), cell cycle mediated DNA synthesis and chromosomal instability (Dzikiewicz-Krawczyk_2012, Nowak_2017). The most pronounced variant effect results in reduced double stranded repair (DSB) activity through loss of association with MDC1 (Yamamoto_2014). Thirteen clinical diagnostic laboratories have submitted clinical-significance assessments for this variant to ClinVar after 2014 without evidence for independent evaluation. Multiple laboratories reported the variant with conflicting assessments ranging from benign/likely benign (n=2) to uncertain significance (n=11) using the same literature assessed in the scope of this evaluation. Based on the evidence outlined above, the variant was classified as benign.

Institute of Human Genetics, University of Leipzig Medical Center
Classification: Uncertain significance for Breast carcinoma. Last evaluated: 2019-01-01. Review status: criteria provided, single submitter. Criteria: ACMG Guidelines, 2015. Collection method: clinical testing. Allele origin: unknown. Affected: yes.

GeneKor MSA
Classification: Uncertain significance for Hereditary cancer-predisposing syndrome. Last evaluated: 2018-08-01. Review status: criteria provided, single submitter. Criteria: ACMG Guidelines, 2015. Collection method: clinical testing. Allele origin: germline. Affected: yes.

GeneID Lab - Advanced Molecular Diagnostics
Classification: Uncertain significance for Hereditary cancer-predisposing syndrome. Last evaluated: 2017-09-07. Review status: criteria provided, single submitter. Criteria: ACMG Guidelines, 2015. Collection method: clinical testing. Allele origin: germline. Affected: no. Observed: 1 variant allele.

Illumina Laboratory Services, Illumina
Classification: Uncertain significance for Microcephaly, normal intelligence and immunodeficiency. Last evaluated: 2017-04-27. Review status: criteria provided, single submitter. Criteria: ICSL Variant Classification Criteria 13 December 2019. Collection method: clinical testing. Allele origin: germline.
Comment: This variant was observed as part of a predisposition screen in an ostensibly healthy population. A literature search was performed for the gene, cDNA change, and amino acid change (where applicable). Publications were found based on this search. However, the evidence from the literature, in combination with allele frequency data from public databases where available, was not sufficient to rule this variant in or out of causing disease. Therefore, this variant is classified as a variant of unknown significance.

Soonchunhyang University Bucheon Hospital, Soonchunhyang University Medical Center
Classification: Uncertain significance for Acute lymphoid leukemia. Last evaluated: 2016-03-18. Review status: criteria provided, single submitter. Criteria: ACMG Guidelines, 2015. Collection method: reference population. Allele origin: germline. Observed: 2 variant alleles.

Eurofins Ntd Llc (ga)
Classification: Uncertain significance. Last evaluated: 2015-03-16. Review status: criteria provided, single submitter. Criteria: EGL Classification Definitions 2015. Collection method: clinical testing. Allele origin: germline. Observed: 2 variant alleles, 2 heterozygotes.

Genetic Services Laboratory, University of Chicago
Classification: Uncertain significance. Last evaluated: 2014-12-12. Review status: criteria provided, single submitter. Criteria: ACMG Guidelines, 2015. Collection method: clinical testing. Allele origin: germline.

Department of Pediatric Oncology,  Hematology and Clinical Immunology, University Clinics Duesseldorf
Classification: Uncertain significance for Hereditary cancer-predisposing syndrome. Review status: criteria provided, single submitter. Criteria: ACMG Guidelines, 2015. Collection method: research. Allele origin: maternal. Affected: yes. Observed: 1 heterozygote.

Laboratory of Medical Genetics Unit, Bambino Gesù Children's Hospital
Classification: Uncertain significance for Diffuse midline glioma, H3 K27-altered. Review status: criteria provided, single submitter. Criteria: ACMG Guidelines, 2015. Collection method: research. Allele origin: germline. Affected: yes. Observed: 1 heterozygote.

Laboratory of Medical Genetics Unit, Bambino Gesù Children's Hospital
Classification: Uncertain significance for Pediatric high-grade glioma. Review status: criteria provided, single submitter. Criteria: ACMG Guidelines, 2015. Collection method: research. Allele origin: germline. Affected: yes. Observed: 1 heterozygote.

Natera, Inc.
Classification: Uncertain significance for Nijmegen breakage syndrome. Last evaluated: 2020-04-03. Review status: no assertion criteria provided. Collection method: clinical testing. Allele origin: germline. Not counted in ClinVar's aggregate classification.

ITMI
No classification provided. Condition: AllHighlyPenetrant. Last evaluated: 2013-09-19. Review status: no classification provided. Collection method: reference population. Allele origin: germline. Not counted in ClinVar's aggregate classification.
Comment: Please see associated publication for description of ethnicities

OMIM
Classification: Pathogenic for APLASTIC ANEMIA. Last evaluated: 2004-10-01. Review status: no assertion criteria provided. Collection method: literature only. Allele origin: germline. Not counted in ClinVar's aggregate classification.

OMIM
Classification: risk factor for LYMPHOBLASTIC LEUKEMIA, ACUTE, SUSCEPTIBILITY TO. Last evaluated: 2004-10-01. Review status: no assertion criteria provided. Collection method: literature only. Allele origin: germline. Not counted in ClinVar's aggregate classification.